The following is an entry in ClinVar:

NM_003970.4(MYOM2):c.623A>G (p.Asn208Ser)

Gene: MYOM2 (myomesin 2; plus strand). Cytogenetic location: 8p23.3.
Variant type: single nucleotide variant.
Coding change: c.623A>G on transcript NM_003970.4 (MANE Select); coding-DNA position 623, A replaced by G.
Protein change: p.Asn208Ser; replaces asparagine 208 with serine.
Molecular consequence: missense variant.
Genome position (GRCh38, 1-based): chr8:2,059,215, A>G. VCF-style: chr8-2059215-A-G. GRCh37 (hg19) VCF-style: chr8-2007336-A-G.
Other names: short protein forms N208S.
Identifiers: ClinVar variation 3042223 (VCV003042223.2), dbSNP rs368379782, ClinGen allele CA170442747.

ClinVar aggregate classification (germline): Likely benign (0 of 4 stars; one submission).

Conditions:
MYOM2-related disorder. Also called: MYOM2-related condition.

Allele frequency attached by ClinVar (database versions not stated): TOPMed 0.00002; gnomAD 0.00007; ESP Exome Variant Server 0.00008; 1000 Genomes Project 30x 0.00016; 1000 Genomes Project 0.00020; ExAC 0.00038.
gnomAD v4.1: 243 of 1,614,228 alleles (0.015%); highest among the groups gnomAD compares: South Asian, 0.25%; 1 homozygote.

Submission:

PreventionGenetics, part of Exact Sciences
Classification: Likely benign for MYOM2-related condition. Last evaluated: 2023-06-06. Review status: no assertion criteria provided. Collection method: clinical testing. Allele origin: germline.
Comment: This variant is classified as likely benign based on ACMG/AMP sequence variant interpretation guidelines (Richards et al. 2015 PMID: 25741868, with internal and published modifications).